The following is an entry in ClinVar:

ClinVar aggregate classification (germline): Conflicting classifications of pathogenicity. Review status: criteria provided, conflicting classifications (1 of 4 stars). 5 submissions from 5 submitters: Uncertain significance (1); Likely benign (4). Last evaluated 2026-08-04.

Conditions:
Cardiovascular phenotype. Identifiers: MedGen CN230736.
TTN-related disorder. Also called: TTN-related disorders; TTN-related condition; TTN-related disease.
Autosomal recessive limb-girdle muscular dystrophy type 2J (LGMDR10). Also called: Limb-girdle muscular dystrophy, type 2J; MUSCULAR DYSTROPHY, LIMB-GIRDLE, AUTOSOMAL RECESSIVE 10. Identifiers: Orphanet 140922, MedGen C1837342, MONDO:0012127, OMIM 608807.
Dilated cardiomyopathy 1G (CMD1G). Identifiers: Orphanet 154, MedGen C1858763, MONDO:0011400, OMIM 604145.

Allele frequency attached by ClinVar (database versions not stated): gnomAD exomes 0.00001 and 0.00004; ExAC 0.00002; TOPMed 0.00003.
gnomAD v4.1: 18 of 1,610,974 alleles (0.0011%); highest among the groups gnomAD compares: Admixed American, 0.022%; no homozygotes.

Submissions (5):

PreventionGenetics, part of Exact Sciences
Classification: Likely benign for TTN-related condition. Last evaluated: 2026-08-04. Review status: criteria provided, single submitter. Criteria: ACMG Guidelines, 2015. Collection method: clinical testing. Allele origin: germline.
Comment: This variant is classified as likely benign based on ACMG/AMP sequence variant interpretation guidelines (Richards et al. 2015 PMID: 25741868, with internal and published modifications).

CeGaT Center for Human Genetics Tuebingen
Classification: Likely benign. Last evaluated: 2026-03-01. Review status: criteria provided, single submitter. Criteria: CeGaT Center For Human Genetics Tuebingen Variant Classification Criteria Version 2. Collection method: clinical testing. Allele origin: germline. Affected: yes. Observed: 1 variant allele.
Comment: TTN: BP4

Labcorp Genetics (formerly Invitae), Labcorp
Classification: Likely benign for Dilated cardiomyopathy 1G; Autosomal recessive limb-girdle muscular dystrophy type 2J. Last evaluated: 2026-01-06. Review status: criteria provided, single submitter. Criteria: Invitae Variant Classification Sherloc (09022015). Collection method: clinical testing. Allele origin: germline.

Eurofins Ntd Llc (ga)
Classification: Uncertain significance. Last evaluated: 2017-02-06. Review status: criteria provided, single submitter. Criteria: EGL Classification Definitions 2015. Collection method: clinical testing. Allele origin: germline. Observed: 1 variant allele, 1 heterozygote.

Ambry Genetics
Classification: Likely benign for Cardiovascular phenotype. Last evaluated: 2013-06-05. Review status: criteria provided, single submitter. Criteria: Ambry Autosomal Dominant and X-Linked criteria (10/2015). Collection method: clinical testing. Allele origin: germline. Observed: 1 variant allele.

NM_001267550.2(TTN):c.54360T>C (p.Thr18120=)

Genes: TTN (titin; minus strand), TTN-AS1 (TTN antisense RNA 1; plus strand). Cytogenetic location: 2q31.2.
Variant type: single nucleotide variant.
Coding change: c.54360T>C on transcript NM_001267550.2 (MANE Select); coding-DNA position 54360, T replaced by C.
Protein change: p.Thr18120=; no amino-acid change (threonine 18120 retained).
Molecular consequence: synonymous variant.
Genome position (GRCh38, 1-based): chr2:178,604,729, A>G on the plus strand (T>C on the coding strand, the complement: TTN is on the minus strand). VCF-style: chr2-178604729-A-G. GRCh37 (hg19) VCF-style: chr2-179469456-A-G.
Other names: c.49437T>C, p.Thr16479= (NM_001256850.1); c.27165T>C, p.Thr9055= (NM_003319.4); c.46656T>C, p.Thr15552= (NM_133378.4); c.27540T>C, p.Thr9180= (NM_133432.3); c.27741T>C, p.Thr9247= (NM_133437.4).
Identifiers: ClinVar variation 263622 (VCV000263622.22), dbSNP rs749248039, ClinGen allele CA1993649.